The following is an entry in ClinVar:

NM_006331.8(EMG1):c.*8A>C

Gene: EMG1 (EMG1 N1-specific pseudouridine methyltransferase; plus strand). Cytogenetic location: 12p13.31.
Variant type: single nucleotide variant.
Coding change: c.*8A>C on transcript NM_006331.8 (MANE Select); 8 bases downstream of the stop codon, A replaced by C.
Molecular consequence: 3 prime UTR variant.
Genome position (GRCh38, 1-based): chr12:6,975,817, A>C. VCF-style: chr12-6975817-A-C. GRCh37 (hg19) VCF-style: chr12-7084979-A-C.
Other names: c.*8A>C (NM_001320049.2).
Identifiers: ClinVar variation 3046315 (VCV003046315.2), dbSNP rs147457308, ClinGen allele CA6422853.
Genomic context (GRCh38, chr12:6,975,817, plus strand): 5'-TCACCTGTGCAAAACTTACCACAGCCTTTGAGGAAGTATGGGGGGTCATTTGACAGTAGT[A>C]GAACCTGTTCTGAAACCAGAAACTGTTGATGTCACATCCTTTGACCCTGGTCTGAGCTGA-3'

ClinVar aggregate classification (germline): Likely benign (0 of 4 stars; one submission).

Conditions:
EMG1-related disorder. Also called: EMG1-related condition.

Allele frequency attached by ClinVar (database versions not stated): gnomAD exomes 0.00003; ExAC 0.00017; TOPMed 0.00036; gnomAD 0.00042; ESP Exome Variant Server 0.00049; 1000 Genomes Project 0.00120; 1000 Genomes Project 30x 0.00141.
gnomAD v4.1: 100 of 1,528,626 alleles (0.0065%); highest among the groups gnomAD compares: African/African-American, 0.13%; no homozygotes.

Submission:

PreventionGenetics, part of Exact Sciences
Classification: Likely benign for EMG1-related condition. Last evaluated: 2020-05-05. Review status: no assertion criteria provided. Collection method: clinical testing. Allele origin: germline.
Comment: This variant is classified as likely benign based on ACMG/AMP sequence variant interpretation guidelines (Richards et al. 2015 PMID: 25741868, with internal and published modifications).